The following is an entry in ClinVar:

ClinVar aggregate classification (germline): Conflicting classifications of pathogenicity. Review status: criteria provided, conflicting classifications (1 of 4 stars). 2 submissions from 2 submitters: Pathogenic (1); Uncertain significance (1). Last evaluated 2024-10-09.

gnomAD v4.1: 3 of 1,614,060 alleles (0.00019%); highest among the groups gnomAD compares: Non-Finnish European, 0.00025%; no homozygotes.

Submissions (2):

GeneDx
Classification: Pathogenic. Last evaluated: 2024-10-09. Review status: criteria provided, single submitter. Criteria: GeneDx Variant Classification Process June 2021. Collection method: clinical testing. Allele origin: germline. Affected: yes.
Comment: Not observed at significant frequency in large population cohorts (gnomAD); In silico analysis supports that this missense variant has a deleterious effect on protein structure/function; Missense variants in this gene are a common cause of disease and they are underrepresented in the general population; Has not been previously published as pathogenic or benign to our knowledge; This variant is associated with the following publications: (PMID: 29493581, 17875937)

Women's Health and Genetics/Laboratory Corporation of America, LabCorp
Classification: Uncertain significance. Last evaluated: 2022-07-25. Review status: criteria provided, single submitter. Criteria: LabCorp Variant Classification Summary - May 2015. Collection method: clinical testing. Allele origin: germline.
Comment: Variant summary: KRAS c.179G>A (p.Gly60Asp) results in a non-conservative amino acid change located in the Small GTP-binding protein domain (IPR005225) of the encoded protein sequence. Five of five in-silico tools predict a damaging effect of the variant on protein function. The variant was absent in 251328 control chromosomes. The available data on variant occurrences in the general population are insufficient to allow any conclusion about variant significance. Although reported in settings of somatic cancers (example, COSMIC database), to our knowledge, no germline occurrence of c.179G>A in individuals affected with Noonan Syndrome and no experimental evidence demonstrating its impact on protein function have been reported. No clinical diagnostic laboratories have submitted clinical-significance assessments for this variant to ClinVar after 2014. Based on the evidence outlined above, the variant was classified as uncertain significance.

NM_004985.5(KRAS):c.179G>A (p.Gly60Asp)

Gene: KRAS (KRAS proto-oncogene, GTPase; minus strand). Cytogenetic location: 12p12.1.
Variant type: single nucleotide variant.
Coding change: c.179G>A on transcript NM_004985.5 (MANE Select); coding-DNA position 179, G replaced by A.
Protein change: p.Gly60Asp; replaces glycine 60 with aspartic acid.
Molecular consequence: missense variant.
Genome position (GRCh38, 1-based): chr12:25,227,345, C>T on the plus strand (G>A on the coding strand, the complement: KRAS is on the minus strand). VCF-style: chr12-25227345-C-T. GRCh37 (hg19) VCF-style: chr12-25380279-C-T.
Other names: c.179G>A, p.Gly60Asp (NM_001369786.1, NM_001369787.1, NM_033360.4); c.179G>A (NM_004985.3); short protein forms G60D.
Identifiers: ClinVar variation 1704608 (VCV001704608.2), dbSNP rs727503108, ClinGen allele CA384152187.